The following is an entry in ClinVar:

ClinVar aggregate classification (germline): Benign/Likely benign. Review status: criteria provided, multiple submitters, no conflicts (2 of 4 stars). 21 submissions from 17 submitters: Benign (10); Likely benign (5). 6 of the submissions do not count toward it. Last evaluated 2026-07-01.

Conditions:
Connective tissue disorder. Also called: Connective tissue disease. Identifiers: MedGen C0009782, MONDO:0003900.
Achondrogenesis, type IB (ACG1B). Also called: Achondrogenesis Type 1B. Identifiers: Orphanet 932, Orphanet 93298, MedGen C0265274, MONDO:0010966, OMIM 600972.
Diastrophic dysplasia (DTD). Also called: Diastrophic dwarfism. Identifiers: Orphanet 628, MedGen C0220726, MONDO:0009107, OMIM 222600.
Atelosteogenesis type II (AO2). Also called: Neonatal osseous dysplasia 1; NEONATAL OSSEOUS DYSPLASIA I; SLC26A2-Related Atelosteogenesis. Identifiers: Orphanet 56304, MedGen C1850554, MONDO:0009727, OMIM 256050.
Multiple epiphyseal dysplasia type 4 (EDM4). Also called: MULTIPLE EPIPHYSEAL DYSPLASIA WITH BILAYERED PATELLAE; MULTIPLE EPIPHYSEAL DYSPLASIA WITH CLUBFOOT; MULTIPLE EPIPHYSEAL DYSPLASIA, AUTOSOMAL RECESSIVE; SLC26A2-Related Multiple Epiphyseal Dysplasia; Multiple Epiphyseal Dysplasia, Recessive. Identifiers: Orphanet 93307, MedGen C1847593, MONDO:0009189, OMIM 226900.
Sulfate transporter-related osteochondrodysplasia. Also called: DTDST-related dysplasias. Identifiers: MedGen CN120497. Disease mechanism: loss of function.

Allele frequency attached by ClinVar (database versions not stated): 1000 Genomes Project 0.00759; 1000 Genomes Project 30x 0.00906; TOPMed 0.01410; ESP Exome Variant Server 0.01530; gnomAD 0.01578 and 0.01642; gnomAD exomes 0.01672 and 0.02136; ExAC 0.01692.
gnomAD v4.1: 33,443 of 1,614,088 alleles (2.1%); highest among the groups gnomAD compares: Non-Finnish European, 2.4%; 428 homozygotes.

Submissions (21):

CeGaT Center for Human Genetics Tuebingen
Classification: Benign. Last evaluated: 2026-07-01. Review status: criteria provided, single submitter. Criteria: CeGaT Center For Human Genetics Tuebingen Variant Classification Criteria Version 2. Collection method: clinical testing. Allele origin: germline. Affected: yes. Observed: 22 variant alleles.
Comment: SLC26A2: BS1, BS2

Labcorp Genetics (formerly Invitae), Labcorp
Classification: Benign for Atelosteogenesis type II; Multiple epiphyseal dysplasia type 4; Achondrogenesis, type IB; Diastrophic dysplasia. Last evaluated: 2026-02-04. Review status: criteria provided, single submitter. Criteria: Invitae Variant Classification Sherloc (09022015). Collection method: clinical testing. Allele origin: germline.

Blueprint Genetics
Classification: Likely benign. Last evaluated: 2024-11-26. Review status: criteria provided, single submitter. Criteria: ACMG Guidelines, 2015. Collection method: clinical testing. Allele origin: germline.

ARUP Laboratories, Molecular Genetics and Genomics, ARUP Laboratories
Classification: Benign. Last evaluated: 2023-11-29. Review status: criteria provided, single submitter. Criteria: ARUP Molecular Germline Variant Investigation Process 2024. Collection method: clinical testing. Allele origin: germline.

Genome Diagnostics Laboratory, The Hospital for Sick Children
Classification: Benign for Connective tissue disorder. Last evaluated: 2022-05-12. Review status: criteria provided, single submitter. Criteria: ACMG Guidelines, 2015. Collection method: clinical testing. Allele origin: germline.

Fulgent Genetics
Classification: Likely benign for Diastrophic dysplasia; Multiple epiphyseal dysplasia type 4; Atelosteogenesis type II; Achondrogenesis, type IB. Last evaluated: 2021-11-09. Review status: criteria provided, single submitter. Criteria: ACMG Guidelines, 2015. Collection method: clinical testing. Allele origin: unknown.

Illumina Laboratory Services, Illumina
Classification: Likely benign for Osteochondrodysplasia. Last evaluated: 2018-03-06. Review status: criteria provided, single submitter. Criteria: ICSL Variant Classification Criteria 13 December 2019. Collection method: clinical testing. Allele origin: germline.
Comment: This variant was observed in the ICSL laboratory as part of a predisposition screen in an ostensibly healthy population. It had not been previously curated by ICSL or reported in the Human Gene Mutation Database (HGMD: prior to June 1st, 2018), and was therefore a candidate for classification through an automated scoring system. Utilizing variant allele frequency, disease prevalence and penetrance estimates, and inheritance mode, an automated score was calculated to assess if this variant is too frequent to cause the disease. Based on the score and internal cut-off values, a variant classified as likely benign is not then subjected to further curation. The score for this variant resulted in a classification of likely benign for this disease.

Illumina Laboratory Services, Illumina
Classification: Likely benign for Multiple epiphyseal dysplasia type 4. Last evaluated: 2018-03-06. Review status: criteria provided, single submitter. Criteria: ICSL Variant Classification Criteria 13 December 2019. Collection method: clinical testing. Allele origin: germline.
Comment: the same text as in the submission from Illumina Laboratory Services, Illumina above.

Illumina Laboratory Services, Illumina
Classification: Benign for Atelosteogenesis type II. Last evaluated: 2018-03-06. Review status: criteria provided, single submitter. Criteria: ICSL Variant Classification Criteria 13 December 2019. Collection method: clinical testing. Allele origin: germline.
Comment: This variant was observed in the ICSL laboratory as part of a predisposition screen in an ostensibly healthy population. It had not been previously curated by ICSL or reported in the Human Gene Mutation Database (HGMD: prior to June 1st, 2018), and was therefore a candidate for classification through an automated scoring system. Utilizing variant allele frequency, disease prevalence and penetrance estimates, and inheritance mode, an automated score was calculated to assess if this variant is too frequent to cause the disease. Based on the score and internal cut-off values, a variant classified as benign is not then subjected to further curation. The score for this variant resulted in a classification of benign for this disease.

Illumina Laboratory Services, Illumina
Classification: Benign for Achondrogenesis, type IB. Last evaluated: 2018-03-06. Review status: criteria provided, single submitter. Criteria: ICSL Variant Classification Criteria 13 December 2019. Collection method: clinical testing. Allele origin: germline.
Comment: the same text as in the submission from Illumina Laboratory Services, Illumina above.

Illumina Laboratory Services, Illumina
Classification: Benign for Diastrophic dysplasia. Last evaluated: 2018-03-06. Review status: criteria provided, single submitter. Criteria: ICSL Variant Classification Criteria 13 December 2019. Collection method: clinical testing. Allele origin: germline.
Comment: the same text as in the submission from Illumina Laboratory Services, Illumina above.

GeneDx
Classification: Benign. Last evaluated: 2016-07-06. Review status: criteria provided, single submitter. Criteria: GeneDx Variant Classification (06012015). Collection method: clinical testing. Allele origin: germline. Affected: yes.
Comment: This variant is considered likely benign or benign based on one or more of the following criteria: it is a conservative change, it occurs at a poorly conserved position in the protein, it is predicted to be benign by multiple in silico algorithms, and/or has population frequency not consistent with disease.

Eurofins Ntd Llc (ga)
Classification: Benign. Last evaluated: 2014-12-16. Review status: criteria provided, single submitter. Criteria: EGL Classification Definitions 2015. Collection method: clinical testing. Allele origin: germline. Observed: 1 variant allele, 1 heterozygote.

Breakthrough Genomics
Classification: Likely benign. Review status: criteria provided, single submitter. Criteria: ACMG Guidelines, 2015. Collection method: not provided. Allele origin: germline. Inheritance: Autosomal recessive inheritance. Affected: yes.

Broad Center for Mendelian Genomics, Broad Institute of MIT and Harvard
Classification: Benign for Diastrophic dysplasia. Review status: criteria provided, single submitter. Criteria: ACMG Guidelines, 2015. Collection method: research. Allele origin: germline. Inheritance: Autosomal recessive inheritance. Affected: yes.
Comment: The p.Arg492Trp variant in SLC26A2 has been reported in at least 2 individuals with diastrophic dysplasia (PMID: 11241838), but has also been identified in >2% of European (non-Finnish) chromosomes and 21 homozygotes by ExAC. In summary, this variant meets criteria to be classified as benign for autosomal recessive diastrophic dysplasia.

Natera, Inc.
Classification: Benign for Achondrogenesis type IB. Last evaluated: 2020-09-16. Review status: no assertion criteria provided. Collection method: clinical testing. Allele origin: germline. Not counted in ClinVar's aggregate classification.

Counsyl
Classification: Likely benign for Multiple epiphyseal dysplasia 4. Last evaluated: 2014-04-10. Review status: no assertion criteria provided. Collection method: literature only. Allele origin: unknown. Inheritance: Autosomal recessive inheritance. Not counted in ClinVar's aggregate classification.

Clinical Genetics DNA and cytogenetics Diagnostics Lab, Erasmus MC, Erasmus Medical Center
Classification: Benign. Review status: no assertion criteria provided. Collection method: clinical testing. Allele origin: germline. Affected: yes. Study: VKGL Data-share Consensus. Not counted in ClinVar's aggregate classification.

GeneReviews
No classification provided. Condition: Diastrophic dysplasia. Review status: no classification provided. Collection method: literature only. Allele origin: unknown. Not counted in ClinVar's aggregate classification.

Genome Diagnostics Laboratory, Amsterdam University Medical Center
Classification: Benign. Review status: no assertion criteria provided. Collection method: clinical testing. Allele origin: germline. Affected: yes. Study: VKGL Data-share Consensus. Not counted in ClinVar's aggregate classification.

Laboratory of Diagnostic Genome Analysis, Leiden University Medical Center (LUMC)
Classification: Likely benign. Review status: no assertion criteria provided. Collection method: clinical testing. Allele origin: germline. Affected: yes. Study: VKGL Data-share Consensus. Not counted in ClinVar's aggregate classification.

Literature cited by the submitters: PubMed 11241838 (cited by Eurofins Ntd Llc (ga) and Counsyl); PubMed 18708426 (cited by 3 submitters); PubMed 21228398 (cited by Counsyl); PubMed 20301524 (cited by GeneReviews); NCBI Bookshelf NBK1350 (cited by GeneReviews).

NM_000112.4(SLC26A2):c.1474C>T (p.Arg492Trp)

Gene: SLC26A2 (solute carrier family 26 member 2; plus strand). Cytogenetic location: 5q32.
Variant type: single nucleotide variant.
Coding change: c.1474C>T on transcript NM_000112.4 (MANE Select); coding-DNA position 1474, C replaced by T.
Protein change: p.Arg492Trp; replaces arginine 492 with tryptophan.
Molecular consequence: missense variant.
Genome position (GRCh38, 1-based): chr5:149,981,067, C>T. VCF-style: chr5-149981067-C-T. GRCh37 (hg19) VCF-style: chr5-149360630-C-T.
Other names: short protein forms R492W.
Identifiers: ClinVar variation 65559 (VCV000065559.72), dbSNP rs78676079, ClinGen allele CA202198.